The following is an entry in ClinVar:

NM_018979.4(WNK1):c.6239G>A (p.Arg2080Gln)

Gene: WNK1 (WNK lysine deficient protein kinase 1; plus strand). Cytogenetic location: 12p13.33.
Variant type: single nucleotide variant.
Coding change: c.6239G>A on transcript NM_018979.4 (MANE Select); coding-DNA position 6239, G replaced by A.
Protein change: p.Arg2080Gln; replaces arginine 2080 with glutamine.
Molecular consequence: missense variant.
Genome position (GRCh38, 1-based): chr12:896,726, G>A. VCF-style: chr12-896726-G-A. GRCh37 (hg19) VCF-style: chr12-1005892-G-A.
Other names: c.7019G>A, p.Arg2340Gln (NM_001184985.2); c.5495G>A, p.Arg1832Gln (NM_014823.3); c.6995G>A, p.Arg2332Gln (NM_213655.5); short protein forms R1832Q, R2080Q, R2332Q, R2340Q.
Identifiers: ClinVar variation 3769004 (VCV003769004.1).

ClinVar aggregate classification (germline): Uncertain significance (1 of 4 stars; one submission).

gnomAD v4.1: 3 of 1,608,862 alleles (0.00019%); highest among the groups gnomAD compares: East Asian, 0.0022%; no homozygotes.

Submission:

Women's Health and Genetics/Laboratory Corporation of America, LabCorp
Classification: Uncertain significance. Last evaluated: 2025-02-18. Review status: criteria provided, single submitter. Criteria: LabCorp Variant Classification Summary - May 2015. Collection method: clinical testing. Allele origin: germline.
Comment: Variant summary: WNK1 c.6239G>A (p.Arg2080Gln) results in a conservative amino acid change in the encoded protein sequence. Three of five in-silico tools predict a damaging effect of the variant on protein function. The variant allele was found at a frequency of 1.2e-05 in 247164 control chromosomes (gnomAD). The available data on variant occurrences in the general population are insufficient to allow any conclusion about variant significance. To our knowledge, no occurrence of c.6239G>A in individuals affected with Neuropathy, hereditary sensory and autonomic, type 2A and no experimental evidence demonstrating its impact on protein function have been reported. No submitters have cited clinical-significance assessments for this variant to ClinVar. Based on the evidence outlined above, the variant was classified as uncertain significance.